The following is an entry in ClinVar:

ClinVar aggregate classification (germline): Uncertain significance (1 of 4 stars; one submission).

Conditions:
Inborn genetic diseases. Identifiers: MedGen C0950123, MeSH D030342.

Submission:

Ambry Genetics
Classification: Uncertain significance for Inborn genetic diseases. Last evaluated: 2025-05-16. Review status: criteria provided, single submitter. Criteria: Ambry Variant Classification Scheme 2023. Collection method: clinical testing. Allele origin: germline.
Comment: The p.D931A variant (also known as c.2792A>C), located in coding exon 29 of the FANCA gene, results from an A to C substitution at nucleotide position 2792. The aspartic acid at codon 931 is replaced by alanine, an amino acid with dissimilar properties. This amino acid position is conserved. In addition, this alteration is predicted to be deleterious by in silico analysis. Based on the available evidence, the clinical significance of this variant remains unclear.

NM_000135.4(FANCA):c.2792A>C (p.Asp931Ala)

Gene: FANCA (FA complementation group A; minus strand). Cytogenetic location: 16q24.3.
Variant type: single nucleotide variant.
Coding change: c.2792A>C on transcript NM_000135.4 (MANE Select); coding-DNA position 2792, A replaced by C.
Protein change: p.Asp931Ala; replaces aspartic acid 931 with alanine.
Molecular consequence: missense variant.
Genome position (GRCh38, 1-based): chr16:89,762,009, T>G on the plus strand (A>C on the coding strand, the complement: FANCA is on the minus strand). VCF-style: chr16-89762009-T-G. GRCh37 (hg19) VCF-style: chr16-89828417-T-G.
Other names: c.2792A>C, p.Asp931Ala (NM_001286167.3); short protein forms D931A.
Identifiers: ClinVar variation 4022272 (VCV004022272.1).